The following is an entry in ClinVar:

ClinVar aggregate classification (germline): Uncertain significance (1 of 4 stars; one submission).

Submission:

Labcorp Genetics (formerly Invitae), Labcorp
Classification: Uncertain significance. Last evaluated: 2025-12-02. Review status: criteria provided, single submitter. Criteria: Invitae Variant Classification Sherloc (09022015). Collection method: clinical testing. Allele origin: germline.
Comment: This sequence change replaces proline, which is neutral and non-polar, with arginine, which is basic and polar, at codon 828 of the EFL1 protein (p.Pro828Arg). This variant is not present in population databases (gnomAD no frequency). This variant has not been reported in the literature in individuals affected with EFL1-related conditions. ClinVar contains an entry for this variant (Variation ID: 1422038). Invitae Evidence Modeling of protein sequence and biophysical properties (such as structural, functional, and spatial information, amino acid conservation, physicochemical variation, residue mobility, and thermodynamic stability) indicates that this missense variant is expected to disrupt EFL1 protein function with a positive predictive value of 80%. In summary, the available evidence is currently insufficient to determine the role of this variant in disease. Therefore, it has been classified as a Variant of Uncertain Significance.

NM_024580.6(EFL1):c.2483C>G (p.Pro828Arg)

Gene: EFL1 (elongation factor like GTPase 1; minus strand). Cytogenetic location: 15q25.2.
Variant type: single nucleotide variant.
Coding change: c.2483C>G on transcript NM_024580.6 (MANE Select); coding-DNA position 2483, C replaced by G.
Protein change: p.Pro828Arg; replaces proline 828 with arginine.
Molecular consequence: missense variant. On other transcripts: non-coding transcript variant (1).
Genome position (GRCh38, 1-based): chr15:82,151,971, G>C on the plus strand (C>G on the coding strand, the complement: EFL1 is on the minus strand). VCF-style: chr15-82151971-G-C. GRCh37 (hg19) VCF-style: chr15-82444312-G-C.
Other names: c.2330C>G, p.Pro777Arg (NM_001040610.3); c.1694C>G, p.Pro565Arg (NM_001322844.2); c.2483C>G, p.Pro828Arg (NM_001322845.2); short protein forms P565R, P777R, P828R.
Identifiers: ClinVar variation 1422038 (VCV001422038.8), dbSNP rs2141228659, ClinGen allele CA393287337.